The following is an entry in ClinVar:

NM_032492.4(JAGN1):c.319A>G (p.Met107Val)

Gene: JAGN1 (jagunal vesicle mediated transporter 1; plus strand). Cytogenetic location: 3p25.3.
Variant type: single nucleotide variant.
Coding change: c.319A>G on transcript NM_032492.4 (MANE Select); coding-DNA position 319, A replaced by G.
Protein change: p.Met107Val; replaces methionine 107 with valine.
Molecular consequence: missense variant.
Genome position (GRCh38, 1-based): chr3:9,893,144, A>G. VCF-style: chr3-9893144-A-G. GRCh37 (hg19) VCF-style: chr3-9934828-A-G.
Other names: c.157A>G, p.Met53Val (NM_001363890.1); short protein forms M107V, M53V.
Identifiers: ClinVar variation 1489464 (VCV001489464.6), dbSNP rs776475085, ClinGen allele CA2245866.

ClinVar aggregate classification (germline): Uncertain significance (1 of 4 stars; one submission).

Conditions:
Autosomal recessive severe congenital neutropenia due to JAGN1 deficiency. Also called: Severe congenital neutropenia 6, autosomal recessive. Identifiers: Orphanet 423384, MedGen C4014954, MONDO:0014456, OMIM 616022.

Allele frequency attached by ClinVar (database versions not stated): ExAC 0.00001; gnomAD 0.00001; gnomAD exomes 0.00001; TOPMed 0.00002.

Submission:

Labcorp Genetics (formerly Invitae), Labcorp
Classification: Uncertain significance for Autosomal recessive severe congenital neutropenia due to JAGN1 deficiency. Last evaluated: 2021-11-28. Review status: criteria provided, single submitter. Criteria: Invitae Variant Classification Sherloc (09022015). Collection method: clinical testing. Allele origin: germline.
Comment: In summary, the available evidence is currently insufficient to determine the role of this variant in disease. Therefore, it has been classified as a Variant of Uncertain Significance. Algorithms developed to predict the effect of missense changes on protein structure and function output the following: SIFT: "Tolerated"; PolyPhen-2: "Benign"; Align-GVGD: "Class C0". The valine amino acid residue is found in multiple mammalian species, which suggests that this missense change does not adversely affect protein function. This variant has not been reported in the literature in individuals affected with JAGN1-related conditions. This variant is present in population databases (rs776475085, gnomAD 0.004%). This sequence change replaces methionine, which is neutral and non-polar, with valine, which is neutral and non-polar, at codon 107 of the JAGN1 protein (p.Met107Val).